The following is an entry in ClinVar:

NM_003242.6(TGFBR2):c.1526G>A (p.Gly509Asp)

Gene: TGFBR2 (transforming growth factor beta receptor 2; plus strand). Cytogenetic location: 3p24.1.
Variant type: single nucleotide variant.
Coding change: c.1526G>A on transcript NM_003242.6 (MANE Select); coding-DNA position 1526, G replaced by A.
Protein change: p.Gly509Asp; replaces glycine 509 with aspartic acid.
Molecular consequence: missense variant.
Genome position (GRCh38, 1-based): chr3:30,691,421, G>A. VCF-style: chr3-30691421-G-A. GRCh37 (hg19) VCF-style: chr3-30732913-G-A.
Other names: c.1601G>A, p.Gly534Asp (NM_001024847.3); c.1709G>A, p.Gly570Asp (NM_001407126.1); c.1634G>A, p.Gly545Asp (NM_001407127.1); c.1553G>A, p.Gly518Asp (NM_001407128.1); c.1529G>A, p.Gly510Asp (NM_001407129.1); c.1523G>A, p.Gly508Asp (NM_001407130.1); c.1421G>A, p.Gly474Asp (NM_001407132.1, NM_001407133.1, NM_001407134.1 and 2 more transcripts); c.1241G>A, p.Gly414Asp (NM_001407137.1); and 2 more; short protein forms G414D, G508D, G510D, G534D, G389D, G474D, G509D, G545D.
Identifiers: ClinVar variation 1774528 (VCV001774528.2), dbSNP rs863223853, ClinGen allele CA351809479.

ClinVar aggregate classification (germline): Uncertain significance (1 of 4 stars; one submission).

Conditions:
Familial thoracic aortic aneurysm and aortic dissection (TAAD). Also called: Thoracic aortic aneurysms and dissections. Identifiers: Orphanet 91387, MedGen C4707243, MONDO:0019625.

gnomAD v4.1: 1 of 1,613,898 alleles (0.000062%); highest among the groups gnomAD compares: Non-Finnish European, 0.000085%; no homozygotes.

Submission:

Ambry Genetics
Classification: Uncertain significance for Familial thoracic aortic aneurysm and aortic dissection. Last evaluated: 2020-10-19. Review status: criteria provided, single submitter. Criteria: Ambry Variant Classification Scheme 2023. Collection method: clinical testing. Allele origin: germline.
Comment: The p.G509D variant (also known as c.1526G>A), located in coding exon 7 of the TGFBR2 gene, results from a G to A substitution at nucleotide position 1526. The glycine at codon 509 is replaced by aspartic acid, an amino acid with similar properties. This amino acid position is highly conserved in available vertebrate species. In addition, this alteration is predicted to be deleterious by in silico analysis. Based on internal structural analysis, G509D is more destabilizing to the structure of TGFBR2 than several pathogenic variants in the same domain (Tebben AJ et al. Acta Crystallogr D Struct Biol, 2016 05;72:658-74; Reddy KB et al. Biochemistry, 1996 Jan;35:309-14). Since supporting evidence is limited at this time, the clinical significance of this alteration remains unclear.

Literature cited by the submitters: PubMed 27139629; PubMed 8555189.